The following is an entry in ClinVar:

NM_000829.4(GRIA4):c.2275C>T (p.Pro759Ser)

Gene: GRIA4 (glutamate ionotropic receptor AMPA type subunit 4; plus strand). Cytogenetic location: 11q22.3.
Variant type: single nucleotide variant.
Coding change: c.2275C>T on transcript NM_000829.4 (MANE Select); coding-DNA position 2275, C replaced by T.
Protein change: p.Pro759Ser; replaces proline 759 with serine.
Molecular consequence: missense variant. On other transcripts: non-coding transcript variant (1), intron variant (4).
Genome position (GRCh38, 1-based): chr11:105,933,950, C>T. VCF-style: chr11-105933950-C-T. GRCh37 (hg19) VCF-style: chr11-105804676-C-T.
Other names: c.2275C>T, p.Pro759Ser (NM_001077243.3, NM_001440382.1, NM_001440383.1 and 8 more transcripts); c.2254C>T, p.Pro752Ser (NM_001440388.1, NM_001440389.1, NM_001440390.1); c.2068C>T, p.Pro690Ser (NM_001440394.1); c.2046+7011C>T (NM_001440395.1, NM_001440396.1); c.1455+15053C>T (NM_001440398.1); c.1158+28649C>T (NM_001440399.1); short protein forms P690S, P752S, P759S.
Identifiers: ClinVar variation 4851449 (VCV004851449.1).

ClinVar aggregate classification (germline): Uncertain significance (1 of 4 stars; one submission).

Conditions:
Neurodevelopmental disorder with or without seizures and gait abnormalities. Identifiers: MedGen C4693391, MONDO:0060641, OMIM 617864.

Submission:

Institute of Immunology and Genetics Kaiserslautern
Classification: Uncertain significance for Neurodevelopmental disorder with or without seizures and gait abnormalities. Last evaluated: 2025-12-22. Review status: criteria provided, single submitter. Criteria: ACMG Guidelines, 2015. Collection method: clinical testing. Allele origin: germline. Affected: yes.
Comment: ACMG Criteria: PM2_P, PP3 ; Variant was found in heterozygous state.